The following is an entry in ClinVar:

NM_018006.5(TRMU):c.528_531del (p.Phe176fs)

Gene: TRMU (tRNA mitochondrial 2-thiouridylase; plus strand). Cytogenetic location: 22q13.31.
Variant type: Deletion.
Coding change: c.528_531del on transcript NM_018006.5 (MANE Select); coding-DNA positions 528 to 531, 4 bases deleted (TCTC; older notation c.528_531delTCTC).
Protein change: p.Phe176fs; shifts the reading frame from phenylalanine 176.
Molecular consequence: frameshift variant. On other transcripts: intron variant (2).
Genome position (GRCh38, 1-based): chr22:46,350,340-46,350,343, TCTC deleted. VCF-style (leftmost placement, unchanged base first): chr22-46350339-TTCTC-T. GRCh37 (hg19) VCF-style: chr22-46746236-TTCTC-T.
Other names: c.186_189del, p.Phe62fs (NM_001282782.2); c.528_531del, p.Phe176fs (NM_001282785.2); c.118-10_118-7del (NM_001282783.2, NM_001282784.2); short protein forms F176fs, F62fs.
Identifiers: ClinVar variation 5011691 (VCV005011691.1).

ClinVar aggregate classification (germline): Pathogenic (1 of 4 stars; one submission).

Conditions:
Acute infantile liver failure due to synthesis defect of mtDNA-encoded proteins. Also called: Liver failure acute infantile; LIVER FAILURE, INFANTILE, TRANSIENT; TRMU Deficiency. Identifiers: Orphanet 217371, MedGen C3278664, MONDO:0013111, OMIM 613070.

Submission:

Myriad Genetics, Inc.
Classification: Pathogenic for Acute infantile liver failure due to synthesis defect of mtDNA-encoded proteins. Last evaluated: 2023-09-17. Review status: criteria provided, single submitter. Criteria: Myriad Autosomal Dominant, Autosomal Recessive and X-Linked Classification Criteria (2023). Collection method: clinical testing. Allele origin: unknown.
Comment: NM_018006.4(TRMU):c.528_531delTCTC(F176Lfs*9) is expected to be pathogenic in the context of acute liver failure, TRMU-related. This variant is predicted to lead to an abnormal or absent protein product due to the creation of a premature termination codon in TRMU, a gene where loss-of-function variants are known to be pathogenic. Please note: this variant was assessed in the context of healthy population screening.